The following is an entry in ClinVar:

ClinVar aggregate classification (germline): Likely benign (1 of 4 stars; one submission).

Submission:

CeGaT Center for Human Genetics Tuebingen
Classification: Likely benign. Last evaluated: 2026-08-01. Review status: criteria provided, single submitter. Criteria: CeGaT Center For Human Genetics Tuebingen Variant Classification Criteria Version 2. Collection method: clinical testing. Allele origin: germline. Affected: yes. Observed: 1 variant allele.
Comment: ICE1: BS2

NM_015325.3(ICE1):c.1594TCT[3] (p.Ser533_Pro534insSer)

Gene: ICE1 (interactor of little elongation complex ELL subunit 1; plus strand). Cytogenetic location: 5p15.32.
Variant type: Microsatellite.
Coding change: c.1594TCT[3] on transcript NM_015325.3 (MANE Select); three copies in a row of the 3-base unit TCT starting at c.1594; the reference has two copies in a row; one copy, 3 bases duplicated.
Protein change: p.Ser533_Pro534insSer.
Genome position (GRCh38, 1-based): chr5:5,460,931-5,460,933, TCT duplicated; duplicating any 3 consecutive bases within chr5:5,460,927-5,460,933 gives the same sequence; the position shown is the placement nearest the transcript's 3' end. VCF-style (leftmost placement, unchanged base first): chr5-5460926-G-GTTC. GRCh37 (hg19) VCF-style: chr5-5461039-G-GTTC.
Identifiers: ClinVar variation 5038729 (VCV005038729.1).